The following is an entry in ClinVar:

NM_000540.3(RYR1):c.14512-8G>A

Gene: RYR1 (ryanodine receptor 1; plus strand). Cytogenetic location: 19q13.2.
Variant type: single nucleotide variant.
Coding change: c.14512-8G>A on transcript NM_000540.3 (MANE Select); 8 bases into the intron before coding-DNA position 14512, G replaced by A.
Molecular consequence: intron variant.
Genome position (GRCh38, 1-based): chr19:38,580,362, G>A. VCF-style: chr19-38580362-G-A. GRCh37 (hg19) VCF-style: chr19-39071002-G-A.
Other names: c.14497-8G>A (NM_001042723.2).
Identifiers: ClinVar variation 1083117 (VCV001083117.10), dbSNP rs745914262, ClinGen allele CA061372.

ClinVar aggregate classification (germline): Likely benign. Review status: criteria provided, multiple submitters, no conflicts (2 of 4 stars). 2 submissions from 2 submitters: Likely benign (2). Last evaluated 2024-09-11.

Conditions:
Malignant hyperthermia, susceptibility to, 1 (MHS1). Also called: Anesthesia related hyperthermia; Malignant hyperpyrexia; Fulminating hyperpyrexia; Pharmacogenic myopathy; RYR1-Related Malignant Hyperthermia Susceptibility; Malignant hyperthermia suceptibility 1. Identifiers: Orphanet 423, MedGen C2930980, MONDO:0007783, OMIM 145600.
RYR1-related disorder. Also called: RYR1-related condition; RYR1-related disorders. Identifiers: MedGen CN239331.

Allele frequency attached by ClinVar (database versions not stated): ExAC 0.00001; gnomAD exomes 0.00001 and 0.00003; TOPMed 0.00003.
gnomAD v4.1: 8 of 1,613,818 alleles (0.0005%); highest among the groups gnomAD compares: Admixed American, 0.013%; no homozygotes.

Submissions (2):

Labcorp Genetics (formerly Invitae), Labcorp
Classification: Likely benign for RYR1-related disorder. Last evaluated: 2024-09-11. Review status: criteria provided, single submitter. Criteria: Invitae Variant Classification Sherloc (09022015). Collection method: clinical testing. Allele origin: germline.

All of Us Research Program, National Institutes of Health
Classification: Likely benign for Malignant hyperthermia, susceptibility to, 1. Last evaluated: 2023-11-30. Review status: criteria provided, single submitter. Criteria: ACMG Guidelines, 2015. Collection method: clinical testing. Allele origin: germline. Inheritance: Autosomal dominant inheritance. Observed: 4 variant alleles, 4 heterozygotes.
Comment: This study involves interpretation of variants in research participants for the purpose of population health screening. Participant phenotype was not available at the time of variant classification. Additional details can be found in publication PMID: 35346344, PMCID: PMC8962531